The following is an entry in ClinVar:

ClinVar aggregate classification (germline): Uncertain significance (1 of 4 stars; one submission).

Conditions:
Propionic acidemia (PROP). Also called: GLYCINEMIA, KETOTIC; HYPERGLYCINEMIA WITH KETOACIDOSIS AND LEUKOPENIA; KETOTIC HYPERGLYCINEMIA. Identifiers: Orphanet 35, MedGen C0268579, MONDO:0011628, OMIM 606054, HP:0003571.

Submission:

Labcorp Genetics (formerly Invitae), Labcorp
Classification: Uncertain significance for Propionic acidemia. Last evaluated: 2022-07-27. Review status: criteria provided, single submitter. Criteria: Invitae Variant Classification Sherloc (09022015). Collection method: clinical testing. Allele origin: germline.
Comment: This sequence change replaces isoleucine, which is neutral and non-polar, with serine, which is neutral and polar, at codon 127 of the PCCA protein (p.Ile127Ser). This variant is not present in population databases (gnomAD no frequency). This variant has not been reported in the literature in individuals affected with PCCA-related conditions. Advanced modeling of protein sequence and biophysical properties (such as structural, functional, and spatial information, amino acid conservation, physicochemical variation, residue mobility, and thermodynamic stability) performed at Invitae indicates that this missense variant is expected to disrupt PCCA protein function. In summary, the available evidence is currently insufficient to determine the role of this variant in disease. Therefore, it has been classified as a Variant of Uncertain Significance.

NM_000282.4(PCCA):c.380T>G (p.Ile127Ser)

Gene: PCCA (propionyl-CoA carboxylase subunit alpha; plus strand). Cytogenetic location: 13q32.3.
Variant type: single nucleotide variant.
Coding change: c.380T>G on transcript NM_000282.4 (MANE Select); coding-DNA position 380, T replaced by G.
Protein change: p.Ile127Ser; replaces isoleucine 127 with serine.
Molecular consequence: missense variant. On other transcripts: 5 prime UTR variant (3), non-coding transcript variant (5).
Genome position (GRCh38, 1-based): chr13:100,155,058, T>G. VCF-style: chr13-100155058-T-G. GRCh37 (hg19) VCF-style: chr13-100807312-T-G.
Other names: c.302T>G, p.Ile101Ser (NM_001127692.3, NM_001352607.2, NM_001352608.2); c.380T>G, p.Ile127Ser (NM_001178004.2, NM_001352605.2, NM_001352606.2 and 1 more transcripts); c.-487T>G (NM_001352610.2, NM_001352611.2, NM_001352612.2); short protein forms I101S, I127S.
Identifiers: ClinVar variation 1714003 (VCV001714003.5), dbSNP rs2542866996, ClinGen allele CA388693727.